The following is an entry in ClinVar:

NM_001303256.3(MORC2):c.732C>T (p.Ala244=)

Gene: MORC2 (MORC family CW-type zinc finger 2; minus strand). Cytogenetic location: 22q12.2.
Variant type: single nucleotide variant.
Coding change: c.732C>T on transcript NM_001303256.3 (MANE Select); coding-DNA position 732, C replaced by T.
Protein change: p.Ala244=; no amino-acid change (alanine 244 retained).
Molecular consequence: synonymous variant.
Genome position (GRCh38, 1-based): chr22:30,941,525, G>A on the plus strand (C>T on the coding strand, the complement: MORC2 is on the minus strand). VCF-style: chr22-30941525-G-A. GRCh37 (hg19) VCF-style: chr22-31337512-G-A.
Other names: c.732C>T (NM_001303256.2); c.732C>T, p.Ala244= (NM_001303257.2); c.546C>T, p.Ala182= (NM_014941.3).
Identifiers: ClinVar variation 475599 (VCV000475599.11), dbSNP rs371351399, ClinGen allele CA10187174.

ClinVar aggregate classification (germline): Likely benign. Review status: criteria provided, single submitter (1 of 4 stars). 2 submissions from 2 submitters: Likely benign (1). 1 of the submissions does not count toward it. Last evaluated 2024-09-10.

Conditions:
MORC2-related disorder. Also called: MORC2-related condition.
Charcot-Marie-Tooth disease axonal type 2Z. Also called: CHARCOT-MARIE-TOOTH DISEASE, AXONAL, AUTOSOMAL DOMINANT, TYPE 2Z; CHARCOT-MARIE-TOOTH NEUROPATHY, TYPE 2Z. Identifiers: Orphanet 466768, MedGen C5569025, MONDO:0014736, OMIM 616688.

Allele frequency attached by ClinVar (database versions not stated): ExAC 0.00005; ESP Exome Variant Server 0.00008; gnomAD exomes 0.00004 and 0.00006; TOPMed 0.00005; gnomAD 0.00003.
gnomAD v4.1: 99 of 1,613,922 alleles (0.0061%); highest among the groups gnomAD compares: Middle Eastern, 0.066%; no homozygotes.

Submissions (2):

Labcorp Genetics (formerly Invitae), Labcorp
Classification: Likely benign for Charcot-Marie-Tooth disease axonal type 2Z. Last evaluated: 2024-09-10. Review status: criteria provided, single submitter. Criteria: Invitae Variant Classification Sherloc (09022015). Collection method: clinical testing. Allele origin: germline.

PreventionGenetics, part of Exact Sciences
Classification: Likely benign for MORC2-related condition. Last evaluated: 2019-03-05. Review status: no assertion criteria provided. Collection method: clinical testing. Allele origin: germline. Not counted in ClinVar's aggregate classification.
Comment: This variant is classified as likely benign based on ACMG/AMP sequence variant interpretation guidelines (Richards et al. 2015 PMID: 25741868, with internal and published modifications).